The following is an entry in ClinVar:

NM_014423.4(AFF4):c.1735C>T (p.Arg579Cys)

Gene: AFF4 (ALF transcription elongation factor 4; minus strand). Cytogenetic location: 5q31.1.
Variant type: single nucleotide variant.
Coding change: c.1735C>T on transcript NM_014423.4 (MANE Select); coding-DNA position 1735, C replaced by T.
Protein change: p.Arg579Cys; replaces arginine 579 with cysteine.
Molecular consequence: missense variant.
Genome position (GRCh38, 1-based): chr5:132,896,895, G>A on the plus strand (C>T on the coding strand, the complement: AFF4 is on the minus strand). VCF-style: chr5-132896895-G-A. GRCh37 (hg19) VCF-style: chr5-132232587-G-A.
Other names: c.1735C>T (NM_014423.3); short protein forms R579C.
Identifiers: ClinVar variation 4810460 (VCV004810460.2).

ClinVar aggregate classification (germline): Uncertain significance. Review status: criteria provided, multiple submitters, no conflicts (2 of 4 stars). 2 submissions from 2 submitters: Uncertain significance (2). Last evaluated 2026-01-19.

Conditions:
AFF4-related disorder. Also called: AFF4-related condition.
Cognitive impairment - coarse facies - heart defects - obesity - pulmonary involvement - short stature - skeletal dysplasia syndrome. Also called: AFF4-Related CHOPS Syndrome; COGNITIVE IMPAIRMENT, COARSE FACIES, HEART DEFECTS, OBESITY, PULMONARY INVOLVEMENT, SHORT STATURE, AND SKELETAL DYSPLASIA; Chops syndrome. Identifiers: Orphanet 444077, MedGen C4085597, MONDO:0014609, OMIM 616368.

gnomAD v4.1: 14 of 1,614,004 alleles (0.00087%); highest among the groups gnomAD compares: Middle Eastern, 0.016%; no homozygotes.

Submissions (2):

Labcorp Genetics (formerly Invitae), Labcorp
Classification: Uncertain significance for Cognitive impairment - coarse facies - heart defects - obesity - pulmonary involvement - short stature - skeletal dysplasia syndrome. Last evaluated: 2026-01-19. Review status: criteria provided, single submitter. Criteria: Invitae Variant Classification Sherloc (09022015). Collection method: clinical testing. Allele origin: germline.
Comment: This sequence change replaces arginine, which is basic and polar, with cysteine, which is neutral and slightly polar, at codon 579 of the AFF4 protein (p.Arg579Cys). This variant is present in population databases (rs750769831, gnomAD 0.006%). This variant has not been reported in the literature in individuals affected with AFF4-related conditions. Invitae Evidence Modeling of protein sequence and biophysical properties (such as structural, functional, and spatial information, amino acid conservation, physicochemical variation, residue mobility, and thermodynamic stability) has been performed for this missense variant. However, the output from this modeling did not meet the statistical confidence thresholds required to predict the impact of this variant on AFF4 protein function. In summary, the available evidence is currently insufficient to determine the role of this variant in disease. Therefore, it has been classified as a Variant of Uncertain Significance.

PreventionGenetics, part of Exact Sciences
Classification: Uncertain significance for AFF4-related condition. Last evaluated: 2025-02-19. Review status: criteria provided, single submitter. Criteria: ACMG Guidelines, 2015. Collection method: clinical testing. Allele origin: germline.
Comment: The AFF4 c.1735C>T variant is predicted to result in the amino acid substitution p.Arg579Cys. To our knowledge, this variant has not been reported in the literature. This variant is reported in 0.0054% of alleles in individuals of East Asian descent in gnomAD. At this time, the clinical significance of this variant is uncertain due to the absence of conclusive functional and genetic evidence.